The following is an entry in ClinVar:

NM_001330260.2(SCN8A):c.5385C>A (p.Phe1795Leu)

Gene: SCN8A (sodium voltage-gated channel alpha subunit 8; plus strand). Cytogenetic location: 12q13.13.
Variant type: single nucleotide variant.
Coding change: c.5385C>A on transcript NM_001330260.2 (MANE Select); coding-DNA position 5385, C replaced by A.
Protein change: p.Phe1795Leu; replaces phenylalanine 1795 with leucine.
Molecular consequence: missense variant.
Genome position (GRCh38, 1-based): chr12:51,806,871, C>A. VCF-style: chr12-51806871-C-A. GRCh37 (hg19) VCF-style: chr12-52200655-C-A.
Other names: c.5262C>A, p.Phe1754Leu (NM_001177984.3, NM_001369788.1); c.5385C>A, p.Phe1795Leu (NM_014191.4); short protein forms F1754L, F1795L.
Identifiers: ClinVar variation 1518768 (VCV001518768.9), dbSNP rs748215769, ClinGen allele CA384885746.

ClinVar aggregate classification (germline): Uncertain significance (1 of 4 stars; one submission).

Conditions:
Early-infantile DEE. Also called: Ohtahara syndrome; Early infantile epileptic encephalopathy; Early infantile epileptic encephalopathy with suppression bursts. Identifiers: Orphanet 1934, MedGen C0393706, MONDO:0800491.

Submission:

Labcorp Genetics (formerly Invitae), Labcorp
Classification: Uncertain significance for Early-infantile DEE. Last evaluated: 2022-02-24. Review status: criteria provided, single submitter. Criteria: Invitae Variant Classification Sherloc (09022015). Collection method: clinical testing. Allele origin: germline.
Comment: In summary, the available evidence is currently insufficient to determine the role of this variant in disease. Therefore, it has been classified as a Variant of Uncertain Significance. Algorithms developed to predict the effect of missense changes on protein structure and function are either unavailable or do not agree on the potential impact of this missense change (SIFT: "Deleterious"; PolyPhen-2: "Possibly Damaging"; Align-GVGD: "Class C0"). This variant has not been reported in the literature in individuals affected with SCN8A-related conditions. This variant is not present in population databases (gnomAD no frequency). This sequence change replaces phenylalanine, which is neutral and non-polar, with leucine, which is neutral and non-polar, at codon 1795 of the SCN8A protein (p.Phe1795Leu).